The following is an entry in ClinVar:

NM_002234.4(KCNA5):c.41T>G (p.Met14Arg)

Gene: KCNA5 (potassium voltage-gated channel subfamily A member 5; plus strand). Cytogenetic location: 12p13.32.
Variant type: single nucleotide variant.
Coding change: c.41T>G on transcript NM_002234.4 (MANE Select); coding-DNA position 41, T replaced by G.
Protein change: p.Met14Arg; replaces methionine 14 with arginine.
Molecular consequence: missense variant.
Genome position (GRCh38, 1-based): chr12:5,044,188, T>G. VCF-style: chr12-5044188-T-G. GRCh37 (hg19) VCF-style: chr12-5153354-T-G.
Other names: c.41T>G (NM_002234.2); short protein forms M14R.
Identifiers: ClinVar variation 1518431 (VCV001518431.11), dbSNP rs995191067, ClinGen allele CA231866737.
Genomic context (GRCh38, chr12:5,044,188, plus strand): 5'-ATGCCCTCTGCTCCCGCGCCATGGAGATCGCCCTGGTGCCCCTGGAGAACGGCGGTGCCA[T>G]GACCGTCAGAGGAGGCGATGAGGCCCGGGCAGGCTGCGGCCAGGCCACAGGGGGAGAGCT-3'
Protein context (NP_002225.2, residues 4-24): ALVPLENGGA[Met14Arg]TVRGGDEARA

ClinVar aggregate classification (germline): Uncertain significance. Review status: criteria provided, multiple submitters, no conflicts (2 of 4 stars). 4 submissions from 4 submitters: Uncertain significance (4). Last evaluated 2026-02-23.

Conditions:
Inborn genetic diseases. Identifiers: MedGen C0950123, MeSH D030342.
Atrial fibrillation, familial, 7 (ATFB7). Identifiers: MedGen C2677106, MONDO:0012828, OMIM 612240.

Allele frequency attached by ClinVar (database versions not stated): gnomAD exomes 0.00001; TOPMed 0.00005; gnomAD 0.00008; 1000 Genomes Project 30x 0.00016.

Submissions (4):

Women's Health and Genetics/Laboratory Corporation of America, LabCorp
Classification: Uncertain significance. Last evaluated: 2026-02-23. Review status: criteria provided, single submitter. Criteria: LabCorp Variant Classification Summary - May 2015. Collection method: clinical testing. Allele origin: germline.

Labcorp Genetics (formerly Invitae), Labcorp
Classification: Uncertain significance for Atrial fibrillation, familial, 7. Last evaluated: 2024-10-15. Review status: criteria provided, single submitter. Criteria: Invitae Variant Classification Sherloc (09022015). Collection method: clinical testing. Allele origin: germline.
Comment: This sequence change replaces methionine, which is neutral and non-polar, with arginine, which is basic and polar, at codon 14 of the KCNA5 protein (p.Met14Arg). This variant is present in population databases (no rsID available, gnomAD 0.04%). This variant has not been reported in the literature in individuals affected with KCNA5-related conditions. ClinVar contains an entry for this variant (Variation ID: 1518431). An algorithm developed to predict the effect of missense changes on protein structure and function (PolyPhen-2) suggests that this variant is likely to be tolerated. In summary, the available evidence is currently insufficient to determine the role of this variant in disease. Therefore, it has been classified as a Variant of Uncertain Significance.

Ambry Genetics
Classification: Uncertain significance for Inborn genetic diseases. Last evaluated: 2022-11-30. Review status: criteria provided, single submitter. Criteria: Ambry Variant Classification Scheme 2023. Collection method: clinical testing. Allele origin: germline.

Fulgent Genetics
Classification: Uncertain significance for Atrial fibrillation, familial, 7. Last evaluated: 2021-08-09. Review status: criteria provided, single submitter. Criteria: ACMG Guidelines, 2015. Collection method: clinical testing. Allele origin: unknown.